The following is an entry in ClinVar:

NM_001098816.3(TENM4):c.7579C>A (p.Gln2527Lys)

Gene: TENM4 (teneurin transmembrane protein 4; minus strand). Cytogenetic location: 11q14.1.
Variant type: single nucleotide variant.
Coding change: c.7579C>A on transcript NM_001098816.3 (MANE Select); coding-DNA position 7579, C replaced by A.
Protein change: p.Gln2527Lys; replaces glutamine 2527 with lysine.
Molecular consequence: missense variant.
Genome position (GRCh38, 1-based): chr11:78,658,789, G>T on the plus strand (C>A on the coding strand, the complement: TENM4 is on the minus strand). VCF-style: chr11-78658789-G-T. GRCh37 (hg19) VCF-style: chr11-78369834-G-T.
Other names: short protein forms Q2527K.
Identifiers: ClinVar variation 2642208 (VCV002642208.25), dbSNP rs200705126, ClinGen allele CA6206195.
Genomic context (GRCh38, chr11:78,658,789, plus strand): 5'-TTGTGGAGCCATAGAGCTGGTCAAACCGTTCTAAGGTGACAAAGGCCTTGAGCTGCTTCT[G>T]TACTTCACACTGTACCCCGAGGATAGACTGATGGGGGAGGAGAGTGAGAGAGAGAGTAAG-3'
Protein context (NP_001092286.2, residues 2517-2537): KSILGVQCEV[Gln2527Lys]KQLKAFVTLE

ClinVar aggregate classification (germline): Benign/Likely benign. Review status: criteria provided, multiple submitters, no conflicts (2 of 4 stars). 2 submissions from 2 submitters: Benign (1); Likely benign (1). Last evaluated 2026-02-01.

Allele frequency attached by ClinVar (database versions not stated): 1000 Genomes Project 0.00060; 1000 Genomes Project 30x 0.00062; gnomAD 0.00063; TOPMed 0.00067; ExAC 0.00077; gnomAD exomes 0.00106; ESP Exome Variant Server 0.00164.
gnomAD v4.1: 1,632 of 1,613,610 alleles (0.1%); highest among the groups gnomAD compares: Non-Finnish European, 0.13%; 2 homozygotes.

Submissions (2):

CeGaT Center for Human Genetics Tuebingen
Classification: Benign. Last evaluated: 2026-02-01. Review status: criteria provided, single submitter. Criteria: CeGaT Center For Human Genetics Tuebingen Variant Classification Criteria Version 2. Collection method: clinical testing. Allele origin: germline. Affected: yes. Observed: 3 variant alleles.
Comment: TENM4: BS1, BS2

Blueprint Genetics
Classification: Likely benign. Last evaluated: 2024-10-31. Review status: criteria provided, single submitter. Criteria: ACMG Guidelines, 2015. Collection method: clinical testing. Allele origin: germline.